The following is an entry in ClinVar:

NM_144670.6(A2ML1):c.3264+4C>T

Gene: A2ML1 (alpha-2-macroglobulin like 1; plus strand). Cytogenetic location: 12p13.31.
Variant type: single nucleotide variant.
Coding change: c.3264+4C>T on transcript NM_144670.6 (MANE Select); 4 bases into the intron after coding-DNA position 3264, C replaced by T.
Molecular consequence: intron variant.
Genome position (GRCh38, 1-based): chr12:8,858,106, C>T. VCF-style: chr12-8858106-C-T. GRCh37 (hg19) VCF-style: chr12-9010702-C-T.
Other names: c.1791+4C>T (NM_001282424.3).
Identifiers: ClinVar variation 1704623 (VCV001704623.4), dbSNP rs754033985, ClinGen allele CA6436300.

ClinVar aggregate classification (germline): Uncertain significance. Review status: criteria provided, multiple submitters, no conflicts (2 of 4 stars). 2 submissions from 2 submitters: Uncertain significance (2). Last evaluated 2023-08-14.

Allele frequency attached by ClinVar (database versions not stated): gnomAD exomes below 0.00001; ExAC 0.00001; TOPMed 0.00002; gnomAD 0.00003.
gnomAD v4.1: 10 of 1,613,618 alleles (0.00062%); highest among the groups gnomAD compares: Middle Eastern, 0.017%; no homozygotes.

Submissions (2):

Labcorp Genetics (formerly Invitae), Labcorp
Classification: Uncertain significance. Last evaluated: 2023-08-14. Review status: criteria provided, single submitter. Criteria: Invitae Variant Classification Sherloc (09022015). Collection method: clinical testing. Allele origin: germline.
Comment: In summary, the available evidence is currently insufficient to determine the role of this variant in disease. Therefore, it has been classified as a Variant of Uncertain Significance. Variants that disrupt the consensus splice site are a relatively common cause of aberrant splicing (PMID: 17576681, 9536098). Algorithms developed to predict the effect of sequence changes on RNA splicing suggest that this variant is not likely to affect RNA splicing. This sequence change falls in intron 26 of the A2ML1 gene. It does not directly change the encoded amino acid sequence of the A2ML1 protein. It affects a nucleotide within the consensus splice site. This variant is present in population databases (rs754033985, gnomAD 0.01%). This variant has not been reported in the literature in individuals affected with A2ML1-related conditions. ClinVar contains an entry for this variant (Variation ID: 1704623).

Women's Health and Genetics/Laboratory Corporation of America, LabCorp
Classification: Uncertain significance. Last evaluated: 2022-07-10. Review status: criteria provided, single submitter. Criteria: LabCorp Variant Classification Summary - May 2015. Collection method: clinical testing. Allele origin: germline.

Literature cited by the submitters: PubMed 17576681 (cited by Labcorp Genetics (formerly Invitae), Labcorp); PubMed 9536098 (cited by Labcorp Genetics (formerly Invitae), Labcorp).